The following is an entry in ClinVar:

ClinVar aggregate classification (germline): Uncertain significance (1 of 4 stars; one submission).

Conditions:
Generalized epilepsy with febrile seizures plus, type 9 (GEFSP9). Also called: GEFS+, TYPE 9. Identifiers: Orphanet 36387, MedGen C4015395, MONDO:0014517, OMIM 616172.

Submission:

Labcorp Genetics (formerly Invitae), Labcorp
Classification: Uncertain significance for Generalized epilepsy with febrile seizures plus, type 9. Last evaluated: 2023-09-15. Review status: criteria provided, single submitter. Criteria: Invitae Variant Classification Sherloc (09022015). Collection method: clinical testing. Allele origin: germline.
Comment: This variant has not been reported in the literature in individuals affected with STX1B-related conditions. An algorithm developed to predict the effect of missense changes on protein structure and function (PolyPhen-2) suggests that this variant is likely to be tolerated. In summary, the available evidence is currently insufficient to determine the role of this variant in disease. Therefore, it has been classified as a Variant of Uncertain Significance. This sequence change replaces leucine, which is neutral and non-polar, with valine, which is neutral and non-polar, at codon 105 of the STX1B protein (p.Leu105Val). This variant is not present in population databases (gnomAD no frequency).

NM_052874.5(STX1B):c.313C>G (p.Leu105Val)

Gene: STX1B (syntaxin 1B; minus strand). Cytogenetic location: 16p11.2.
Variant type: single nucleotide variant.
Coding change: c.313C>G on transcript NM_052874.5 (MANE Select); coding-DNA position 313, C replaced by G.
Protein change: p.Leu105Val; replaces leucine 105 with valine.
Molecular consequence: missense variant.
Genome position (GRCh38, 1-based): chr16:30,997,543, G>C on the plus strand (C>G on the coding strand, the complement: STX1B is on the minus strand). VCF-style: chr16-30997543-G-C. GRCh37 (hg19) VCF-style: chr16-31008864-G-C.
Other names: short protein forms L105V.
Identifiers: ClinVar variation 2799801 (VCV002799801.3), dbSNP rs2543961133, ClinGen allele CA395649737.